The following is an entry in ClinVar:

NM_002335.4(LRP5):c.3877G>A (p.Glu1293Lys)

Gene: LRP5 (LDL receptor related protein 5; plus strand). Cytogenetic location: 11q13.2.
Variant type: single nucleotide variant.
Coding change: c.3877G>A on transcript NM_002335.4 (MANE Select); coding-DNA position 3877, G replaced by A.
Protein change: p.Glu1293Lys; replaces glutamic acid 1293 with lysine.
Molecular consequence: missense variant.
Genome position (GRCh38, 1-based): chr11:68,433,715, G>A. VCF-style: chr11-68433715-G-A. GRCh37 (hg19) VCF-style: chr11-68201183-G-A.
Other names: c.2134G>A, p.Glu712Lys (NM_001291902.2); c.3877G>A (NM_002335.3); short protein forms E712K, E1293K.
Identifiers: ClinVar variation 1045642 (VCV001045642.8), dbSNP rs753416214, ClinGen allele CA6150140.

ClinVar aggregate classification (germline): Conflicting classifications of pathogenicity. Review status: criteria provided, conflicting classifications (1 of 4 stars). 3 submissions from 3 submitters: Uncertain significance (2); Likely benign (1). Last evaluated 2026-05-14.

Conditions:
LRP5-related disorder. Also called: LRP5-related condition.

Allele frequency attached by ClinVar (database versions not stated): gnomAD 0.00001; TOPMed 0.00001; gnomAD exomes 0.00002 and 0.00006; ExAC 0.00006.
gnomAD v4.1: 31 of 1,612,946 alleles (0.0019%); highest among the groups gnomAD compares: Admixed American, 0.027%; no homozygotes.

Submissions (3):

PreventionGenetics, part of Exact Sciences
Classification: Uncertain significance for LRP5-related condition. Last evaluated: 2026-05-14. Review status: criteria provided, single submitter. Criteria: ACMG Guidelines, 2015. Collection method: clinical testing. Allele origin: germline.
Comment: The LRP5 c.3877G>A variant is predicted to result in the amino acid substitution p.Glu1293Lys. This variant has been reported in the compound heterozygous state in an individual with familial exudative vitreoretinopathy (Kondo et al. 2024. PubMedID: 38881609). This variant is reported in 0.038% of alleles in individuals of Latino descent in gnomAD. At this time, the clinical significance of this variant is uncertain due to the absence of conclusive functional and genetic evidence.

Labcorp Genetics (formerly Invitae), Labcorp
Classification: Uncertain significance. Last evaluated: 2024-12-02. Review status: criteria provided, single submitter. Criteria: Invitae Variant Classification Sherloc (09022015). Collection method: clinical testing. Allele origin: germline.
Comment: This sequence change replaces glutamic acid, which is acidic and polar, with lysine, which is basic and polar, at codon 1293 of the LRP5 protein (p.Glu1293Lys). This variant is present in population databases (rs753416214, gnomAD 0.04%). This variant has not been reported in the literature in individuals affected with LRP5-related conditions. ClinVar contains an entry for this variant (Variation ID: 1045642). Invitae Evidence Modeling of protein sequence and biophysical properties (such as structural, functional, and spatial information, amino acid conservation, physicochemical variation, residue mobility, and thermodynamic stability) indicates that this missense variant is not expected to disrupt LRP5 protein function with a negative predictive value of 95%. In summary, the available evidence is currently insufficient to determine the role of this variant in disease. Therefore, it has been classified as a Variant of Uncertain Significance.

Blueprint Genetics
Classification: Likely benign. Last evaluated: 2021-09-13. Review status: criteria provided, single submitter. Criteria: ACMG Guidelines, 2015. Collection method: clinical testing. Allele origin: germline.